The following is an entry in ClinVar:

ClinVar aggregate classification (germline): Uncertain significance (1 of 4 stars; one submission).

Allele frequency attached by ClinVar (database versions not stated): ExAC 0.00001.
gnomAD v4.1: 6 of 1,612,296 alleles (0.00037%); highest among the groups gnomAD compares: Non-Finnish European, 0.00051%; no homozygotes.

Submission:

Labcorp Genetics (formerly Invitae), Labcorp
Classification: Uncertain significance. Last evaluated: 2022-06-22. Review status: criteria provided, single submitter. Criteria: Invitae Variant Classification Sherloc (09022015). Collection method: clinical testing. Allele origin: germline.
Comment: In summary, the available evidence is currently insufficient to determine the role of this variant in disease. Therefore, it has been classified as a Variant of Uncertain Significance. Algorithms developed to predict the effect of missense changes on protein structure and function (SIFT, PolyPhen-2, Align-GVGD) all suggest that this variant is likely to be tolerated. This variant has not been reported in the literature in individuals affected with POLR3B-related conditions. This variant is present in population databases (rs765662843, gnomAD 0.002%). This sequence change replaces methionine, which is neutral and non-polar, with valine, which is neutral and non-polar, at codon 72 of the POLR3B protein (p.Met72Val).

NM_018082.6(POLR3B):c.214A>G (p.Met72Val)

Gene: POLR3B (RNA polymerase III subunit B; plus strand). Cytogenetic location: 12q23.3.
Variant type: single nucleotide variant.
Coding change: c.214A>G on transcript NM_018082.6 (MANE Select); coding-DNA position 214, A replaced by G.
Protein change: p.Met72Val; replaces methionine 72 with valine.
Molecular consequence: missense variant.
Genome position (GRCh38, 1-based): chr12:106,366,709, A>G. VCF-style: chr12-106366709-A-G. GRCh37 (hg19) VCF-style: chr12-106760487-A-G.
Other names: c.40A>G, p.Met14Val (NM_001160708.2); short protein forms M72V, M14V.
Identifiers: ClinVar variation 1899387 (VCV001899387.5), dbSNP rs765662843, ClinGen allele CA6761629.